The following is an entry in ClinVar:

ClinVar aggregate classification (germline): Uncertain significance (1 of 4 stars; one submission).

Submission:

GeneDx
Classification: Uncertain significance. Last evaluated: 2024-12-06. Review status: criteria provided, single submitter. Criteria: GeneDx Variant Classification Process June 2021. Collection method: clinical testing. Allele origin: germline. Affected: yes.
Comment: Not observed at significant frequency in large population cohorts (gnomAD); Frameshift variant predicted to result in protein truncation or nonsense mediated decay in a gene or region of a gene for which loss of function is not a well-established mechanism of disease; Has not been previously published as pathogenic or benign to our knowledge

NM_004958.4(MTOR):c.2930dup (p.Ile978fs)

Gene: MTOR (mechanistic target of rapamycin kinase; minus strand). Cytogenetic location: 1p36.22.
Variant type: Duplication.
Coding change: c.2930dup on transcript NM_004958.4 (MANE Select); coding-DNA position 2930, one base duplicated (T; older notation c.2930dupT).
Protein change: p.Ile978fs; shifts the reading frame from isoleucine 978.
Molecular consequence: frameshift variant.
Genome position (GRCh38, 1-based): chr1:11,228,768, A duplicated on the plus strand (T on the coding strand, the reverse complement: MTOR is on the minus strand); the first of 2 consecutive A bases (chr1:11,228,768-11,228,769); duplicating either gives the same sequence. VCF-style (leftmost placement, unchanged base first): chr1-11228767-G-GA. GRCh37 (hg19) VCF-style: chr1-11288824-G-GA.
Other names: c.2930dup, p.Ile978fs (NM_001386500.1); c.1682dup, p.Ile562fs (NM_001386501.1); c.2930dup (NM_004958.3); short protein forms I562fs, I978fs.
Identifiers: ClinVar variation 3901418 (VCV003901418.1).
Genomic context (GRCh38, chr1:11,228,767, plus strand): 5'-GAACGTGGGCATGACCTGGGGCAGGAACTGCACACATTTGAGTCCCAGGGACTTGAAGAT[G>GA]AAGGTGATGGCCTGGACAACCATGGTGTGATGATGAGAGAGTGACTGGTCTCGGAAGATC-3'